The following is an entry in ClinVar:

ClinVar aggregate classification (germline): Pathogenic (1 of 4 stars; one submission).

Submission:

Labcorp Genetics (formerly Invitae), Labcorp
Classification: Pathogenic. Last evaluated: 2025-08-21. Review status: criteria provided, single submitter. Criteria: Invitae Variant Classification Sherloc (09022015). Collection method: clinical testing. Allele origin: germline.
Comment: This sequence change replaces leucine, which is neutral and non-polar, with proline, which is neutral and non-polar, at codon 272 of the COMP protein (p.Leu272Pro). This variant is not present in population databases (gnomAD no frequency). This missense change has been observed in individual(s) with COMP-related conditions (PMID: 10405447). It has also been observed to segregate with disease in related individuals. ClinVar contains an entry for this variant (Variation ID: 3723512). Invitae Evidence Modeling of protein sequence and biophysical properties (such as structural, functional, and spatial information, amino acid conservation, physicochemical variation, residue mobility, and thermodynamic stability) indicates that this missense variant is not expected to disrupt COMP protein function with a negative predictive value of 80%. Experimental studies have shown that this missense change affects COMP function (PMID: 17570134). For these reasons, this variant has been classified as Pathogenic.

Literature cited by the submitters: PubMed 10405447; PubMed 17570134.

NM_000095.3(COMP):c.815T>C (p.Leu272Pro)

Gene: COMP (cartilage oligomeric matrix protein; minus strand). Cytogenetic location: 19p13.11.
Variant type: single nucleotide variant.
Coding change: c.815T>C on transcript NM_000095.3 (MANE Select); coding-DNA position 815, T replaced by C.
Protein change: p.Leu272Pro; replaces leucine 272 with proline.
Molecular consequence: missense variant.
Genome position (GRCh38, 1-based): chr19:18,788,462, A>G on the plus strand (T>C on the coding strand, the complement: COMP is on the minus strand). VCF-style: chr19-18788462-A-G. GRCh37 (hg19) VCF-style: chr19-18899271-A-G.
Other names: short protein forms L272P.
Identifiers: ClinVar variation 3723512 (VCV003723512.2).